The following is an entry in ClinVar:

NM_000051.4(ATM):c.3285-2_3338dup

Gene: ATM (ATM serine/threonine kinase; plus strand). Cytogenetic location: 11q22.3.
Variant type: Duplication.
Coding change: c.3285-2_3338dup on transcript NM_000051.4 (MANE Select); the canonical splice acceptor site of the intron before coding-DNA position 3285 through coding-DNA position 3338, 56 bases duplicated.
Molecular consequence: splice acceptor variant.
Genome position (GRCh38, 1-based): chr11:108,279,489-108,279,544, 56 bases duplicated. GRCh37 (hg19): chr11:108,150,216-108,150,271.
Other names: c.3285-2_3338dup (NM_001351834.2).
Identifiers: ClinVar variation 4618364 (VCV004618364.2).

ClinVar aggregate classification (germline): Uncertain significance. Review status: criteria provided, multiple submitters, no conflicts (2 of 4 stars). 2 submissions from 2 submitters: Uncertain significance (2). Last evaluated 2025-11-25.

Conditions:
Ataxia-telangiectasia syndrome (AT). Also called: Cerebello-oculocutaneous telangiectasia; Immunodeficiency with ataxia telangiectasia; Ataxia-telangiectasia, complementation group E; Ataxia telangiectasia (A-T); LOUIS-BAR SYNDROME; Ataxia-telangiectasia, complementation group D. Identifiers: Orphanet 100, MedGen C0004135, MONDO:0008840, OMIM 208900.
Hereditary cancer-predisposing syndrome. Also called: Hereditary neoplastic syndrome; Hereditary Cancer Syndrome; Neoplastic Syndromes, Hereditary; Tumor predisposition. Identifiers: Orphanet 140162, MedGen C0027672, MeSH D009386, MONDO:0015356.

Submissions (2):

Ambry Genetics
Classification: Uncertain significance for Hereditary cancer-predisposing syndrome. Last evaluated: 2025-11-25. Review status: criteria provided, single submitter. Criteria: Ambry Variant Classification Scheme 2023. Collection method: clinical testing. Allele origin: germline.
Comment: The c.3285-2_3338DUP56 variant results from a duplication of 56 nucleotides between positions c.3285-2 to c.3338 and involves the canonical splice acceptor site before coding exon 22 of the ATM gene. In silico splice site analysis predicts that this alteration may weaken the native splice acceptor site and result in the creation or strengthening of a novel splice acceptor site; however, direct evidence is insufficient at this time (Ambry internal data). Based on the available evidence, the clinical significance of this variant remains unclear.

Labcorp Genetics (formerly Invitae), Labcorp
Classification: Uncertain significance for Ataxia-telangiectasia syndrome. Last evaluated: 2025-10-02. Review status: criteria provided, single submitter. Criteria: Invitae Variant Classification Sherloc (09022015). Collection method: clinical testing. Allele origin: germline.
Comment: This sequence change falls in intron 22 of the ATM gene. It does not directly change the encoded amino acid sequence of the ATM protein. It affects a nucleotide within the consensus splice site. This variant is not present in population databases (gnomAD no frequency). This variant has not been reported in the literature in individuals affected with ATM-related conditions. This variant is also known as p.Lys1114delins13*. Variants that disrupt the consensus splice site are a relatively common cause of aberrant splicing (PMID: 17576681, 9536098). In summary, the available evidence is currently insufficient to determine the role of this variant in disease. Therefore, it has been classified as a Variant of Uncertain Significance.

Literature cited by the submitters: PubMed 17576681 (cited by Labcorp Genetics (formerly Invitae), Labcorp); PubMed 9536098 (cited by Labcorp Genetics (formerly Invitae), Labcorp).